The following is an entry in ClinVar:

ClinVar aggregate classification (germline): Uncertain significance. Review status: criteria provided, multiple submitters, no conflicts (2 of 4 stars). 2 submissions from 2 submitters: Uncertain significance (2). Last evaluated 2025-10-25.

Conditions:
Inborn genetic diseases. Identifiers: MedGen C0950123, MeSH D030342.
Leukocyte adhesion deficiency 1 (LAD1). Also called: LEUKOCYTE ADHESION DEFICIENCY, TYPE I; LAD 1; Lymphocyte function-associated antigen 1 immunodeficiency; LFA 1 immunodeficiency. Identifiers: Orphanet 2968, Orphanet 99842, MedGen C0398738, MONDO:0007293, OMIM 116920.

Allele frequency attached by ClinVar (database versions not stated): gnomAD exomes below 0.00001.
gnomAD v4.1: 7 of 1,614,278 alleles (0.00043%); highest among the groups gnomAD compares: Non-Finnish European, 0.00059%; no homozygotes.

Submissions (2):

Ambry Genetics
Classification: Uncertain significance for Inborn genetic diseases. Last evaluated: 2025-10-25. Review status: criteria provided, single submitter. Criteria: Ambry Variant Classification Scheme 2023. Collection method: clinical testing. Allele origin: germline.

Labcorp Genetics (formerly Invitae), Labcorp
Classification: Uncertain significance for Leukocyte adhesion deficiency 1. Last evaluated: 2022-10-25. Review status: criteria provided, single submitter. Criteria: Invitae Variant Classification Sherloc (09022015). Collection method: clinical testing. Allele origin: germline.
Comment: This variant is not present in population databases (gnomAD no frequency). This sequence change replaces glutamine, which is neutral and polar, with glutamic acid, which is acidic and polar, at codon 216 of the ITGB2 protein (p.Gln216Glu). This variant has not been reported in the literature in individuals affected with ITGB2-related conditions. ClinVar contains an entry for this variant (Variation ID: 1462809). Advanced modeling of protein sequence and biophysical properties (such as structural, functional, and spatial information, amino acid conservation, physicochemical variation, residue mobility, and thermodynamic stability) has been performed at Invitae for this missense variant, however the output from this modeling did not meet the statistical confidence thresholds required to predict the impact of this variant on ITGB2 protein function. Algorithms developed to predict the effect of sequence changes on RNA splicing suggest that this variant may disrupt the consensus splice site. In summary, the available evidence is currently insufficient to determine the role of this variant in disease. Therefore, it has been classified as a Variant of Uncertain Significance.

NM_000211.5(ITGB2):c.646C>G (p.Gln216Glu)

Gene: ITGB2 (integrin subunit beta 2; minus strand). Cytogenetic location: 21q22.3.
Variant type: single nucleotide variant.
Coding change: c.646C>G on transcript NM_000211.5 (MANE Select); coding-DNA position 646, C replaced by G.
Protein change: p.Gln216Glu; replaces glutamine 216 with glutamic acid.
Molecular consequence: missense variant.
Genome position (GRCh38, 1-based): chr21:44,901,587, G>C on the plus strand (C>G on the coding strand, the complement: ITGB2 is on the minus strand). VCF-style: chr21-44901587-G-C. GRCh37 (hg19) VCF-style: chr21-46321502-G-C.
Other names: c.646C>G, p.Gln216Glu (NM_001127491.3); c.439C>G, p.Gln147Glu (NM_001303238.2); c.646C>G (NM_000211.3); short protein forms Q147E, Q216E.
Identifiers: ClinVar variation 1462809 (VCV001462809.9), dbSNP rs976487831, ClinGen allele CA321851403.